The following is an entry in ClinVar:

NM_000051.4(ATM):c.3284+3A>T

Gene: ATM (ATM serine/threonine kinase; plus strand). Cytogenetic location: 11q22.3.
Variant type: single nucleotide variant.
Coding change: c.3284+3A>T on transcript NM_000051.4 (MANE Select); 3 bases into the intron after coding-DNA position 3284, A replaced by T.
Molecular consequence: intron variant.
Genome position (GRCh38, 1-based): chr11:108,272,855, A>T. VCF-style: chr11-108272855-A-T. GRCh37 (hg19) VCF-style: chr11-108143582-A-T.
Other names: c.3284+3A>T (NM_001351834.2).
Identifiers: ClinVar variation 3638331 (VCV003638331.2).

ClinVar aggregate classification (germline): Uncertain significance (1 of 4 stars; one submission).

Conditions:
Ataxia-telangiectasia syndrome (AT). Also called: ATAXIA-TELANGIECTASIA, COMPLEMENTATION GROUP A; ATAXIA-TELANGIECTASIA, FRESNO VARIANT; LOUIS-BAR SYNDROME; Cerebello-oculocutaneous telangiectasia; Immunodeficiency with ataxia telangiectasia; Ataxia-telangiectasia, complementation group E. Identifiers: Orphanet 100, MedGen C0004135, MONDO:0008840, OMIM 208900.

Submission:

Labcorp Genetics (formerly Invitae), Labcorp
Classification: Uncertain significance for Ataxia-telangiectasia syndrome. Last evaluated: 2024-02-02. Review status: criteria provided, single submitter. Criteria: Invitae Variant Classification Sherloc (09022015). Collection method: clinical testing. Allele origin: germline.
Comment: This sequence change falls in intron 22 of the ATM gene. It does not directly change the encoded amino acid sequence of the ATM protein. It affects a nucleotide within the consensus splice site. This variant is not present in population databases (gnomAD no frequency). This variant has not been reported in the literature in individuals affected with ATM-related conditions. Variants that disrupt the consensus splice site are a relatively common cause of aberrant splicing (PMID: 17576681, 9536098). Algorithms developed to predict the effect of sequence changes on RNA splicing suggest that this variant may disrupt the consensus splice site. In summary, the available evidence is currently insufficient to determine the role of this variant in disease. Therefore, it has been classified as a Variant of Uncertain Significance.

Literature cited by the submitters: PubMed 17576681; PubMed 9536098.